The following is an entry in ClinVar:

ClinVar aggregate classification (germline): Likely pathogenic (1 of 4 stars; one submission).

Conditions:
Imerslund-Grasbeck syndrome. Also called: Imerslund-Gräsbeck syndrome; Megaloblastic anemia due to inborn errors of metabolism; PERNICIOUS ANEMIA, JUVENILE, DUE TO SELECTIVE INTESTINAL MALABSORPTION OF VITAMIN B12, WITH PROTEINURIA; ENTEROCYTE COBALAMIN MALABSORPTION; ENTEROCYTE INTRINSIC FACTOR RECEPTOR, DEFECT OF. Identifiers: Orphanet 35858, MedGen C4551825, MONDO:0009853.

Allele frequency attached by ClinVar (database versions not stated): gnomAD 0.00001.

Submission:

Labcorp Genetics (formerly Invitae), Labcorp
Classification: Likely pathogenic for Imerslund-Grasbeck syndrome. Last evaluated: 2023-11-15. Review status: criteria provided, single submitter. Criteria: Invitae Variant Classification Sherloc (09022015). Collection method: clinical testing. Allele origin: germline.
Comment: This sequence change affects an acceptor splice site in intron 6 of the AMN gene. It is expected to disrupt RNA splicing. Variants that disrupt the donor or acceptor splice site typically lead to a loss of protein function (PMID: 16199547), and loss-of-function variants in AMN are known to be pathogenic (PMID: 12590260, 22929189). This variant is not present in population databases (gnomAD no frequency). This variant has not been reported in the literature in individuals affected with AMN-related conditions. Algorithms developed to predict the effect of sequence changes on RNA splicing suggest that this variant may disrupt the consensus splice site. In summary, the currently available evidence indicates that the variant is pathogenic, but additional data are needed to prove that conclusively. Therefore, this variant has been classified as Likely Pathogenic.

Literature cited by the submitters: PubMed 16199547; PubMed 12590260; PubMed 22929189.

NM_030943.4(AMN):c.652-2A>G

Gene: AMN (amnion associated transmembrane protein; plus strand). Cytogenetic location: 14q32.32.
Variant type: single nucleotide variant.
Coding change: c.652-2A>G on transcript NM_030943.4 (MANE Select); the canonical splice acceptor site of the intron before coding-DNA position 652, A replaced by G.
Molecular consequence: splice acceptor variant.
Genome position (GRCh38, 1-based): chr14:102,929,426, A>G. VCF-style: chr14-102929426-A-G. GRCh37 (hg19) VCF-style: chr14-103395763-A-G.
Identifiers: ClinVar variation 2907497 (VCV002907497.3), dbSNP rs1891277164, ClinGen allele CA391081963.